The following is an entry in ClinVar:

NM_000282.4(PCCA):c.86C>T (p.Ala29Val)

Gene: PCCA (propionyl-CoA carboxylase subunit alpha; plus strand). Cytogenetic location: 13q32.3.
Variant type: single nucleotide variant.
Coding change: c.86C>T on transcript NM_000282.4 (MANE Select); coding-DNA position 86, C replaced by T.
Protein change: p.Ala29Val; replaces alanine 29 with valine.
Molecular consequence: missense variant. On other transcripts: 5 prime UTR variant (3), non-coding transcript variant (5).
Genome position (GRCh38, 1-based): chr13:100,089,206, C>T. VCF-style: chr13-100089206-C-T. GRCh37 (hg19) VCF-style: chr13-100741460-C-T.
Other names: c.86C>T, p.Ala29Val (NM_001127692.3, NM_001178004.2, NM_001352605.2 and 4 more transcripts); c.-781C>T (NM_001352610.2, NM_001352611.2, NM_001352612.2); short protein forms A29V.
Identifiers: ClinVar variation 4744209 (VCV004744209.1).

ClinVar aggregate classification (germline): Uncertain significance (1 of 4 stars; one submission).

Conditions:
Propionic acidemia (PROP). Also called: GLYCINEMIA, KETOTIC; HYPERGLYCINEMIA WITH KETOACIDOSIS AND LEUKOPENIA; KETOTIC HYPERGLYCINEMIA. Identifiers: Orphanet 35, MedGen C0268579, MONDO:0011628, OMIM 606054, HP:0003571.

gnomAD v4.1: 2 of 1,522,664 alleles (0.00013%); highest among the groups gnomAD compares: African/African-American, 0.0014%; no homozygotes.

Submission:

Labcorp Genetics (formerly Invitae), Labcorp
Classification: Uncertain significance for Propionic acidemia. Last evaluated: 2025-04-03. Review status: criteria provided, single submitter. Criteria: Invitae Variant Classification Sherloc (09022015). Collection method: clinical testing. Allele origin: germline.
Comment: This sequence change replaces alanine, which is neutral and non-polar, with valine, which is neutral and non-polar, at codon 29 of the PCCA protein (p.Ala29Val). This variant is not present in population databases (gnomAD no frequency). This variant has not been reported in the literature in individuals affected with PCCA-related conditions. An algorithm developed to predict the effect of missense changes on protein structure and function outputs the following: PolyPhen-2: "Benign". The valine amino acid residue is found in multiple mammalian species, which suggests that this missense change does not adversely affect protein function. In summary, the available evidence is currently insufficient to determine the role of this variant in disease. Therefore, it has been classified as a Variant of Uncertain Significance.